The following is an entry in ClinVar:

NM_024675.4(PALB2):c.192A>C (p.Ser64=)

Gene: PALB2 (partner and localizer of BRCA2; minus strand). Cytogenetic location: 16p12.2.
Variant type: single nucleotide variant.
Coding change: c.192A>C on transcript NM_024675.4 (MANE Select); coding-DNA position 192, A replaced by C.
Protein change: p.Ser64=; no amino-acid change (serine 64 retained).
Molecular consequence: synonymous variant. On other transcripts: 5 prime UTR variant (8), intron variant (3).
Genome position (GRCh38, 1-based): chr16:23,637,869, T>G on the plus strand (A>C on the coding strand, the complement: PALB2 is on the minus strand). VCF-style: chr16-23637869-T-G. GRCh37 (hg19) VCF-style: chr16-23649190-T-G.
Other names: c.132A>C, p.Ser44= (NM_001407296.1); c.192A>C, p.Ser64= (NM_001407297.1, NM_001407298.1, NM_001407299.1 and 3 more transcripts); c.-694A>C (NM_001407304.1, NM_001407305.1, NM_001407306.1 and 5 more transcripts); c.48+3241A>C (NM_001407314.1); c.-105+3241A>C (NM_001407313.1, NM_001407312.1).
Identifiers: ClinVar variation 3903851 (VCV003903851.1).
Genomic context (GRCh38, chr16:23,637,869, plus strand): 5'-ATGAATAATAAAGCAGGCATAAGTGAATGGTCTAGATTTACCTGAGTGTTTTAGCTGCGG[T>G]GAGAGATCCTGCTGAGACAAACAATCTTGTTCTTCTACTGTTTTCTTAATAGAATGCTTA-3'
Protein context (NP_078951.2, residues 54-74): EQDCLSQQDL[Ser64=]PQLKHSEPKN

ClinVar aggregate classification (germline): Benign (1 of 4 stars; one submission).

Conditions:
Familial cancer of breast. Also called: Hereditary breast cancer; hereditary breast carcinoma; BREAST CANCER, FAMILIAL. Identifiers: Orphanet 227535, MedGen C0346153, MONDO:0016419, OMIM 114480. Disease mechanism: loss of function.

Submission:

Myriad Genetics, Inc.
Classification: Benign for Familial cancer of breast. Last evaluated: 2025-01-09. Review status: criteria provided, single submitter. Criteria: Myriad Autosomal Dominant, Autosomal Recessive and X-Linked Classification Criteria (2023). Collection method: clinical testing. Allele origin: unknown.
Comment: This variant is considered benign. This variant is a silent/synonymous amino acid change and it is not expected to impact splicing.